The following is an entry in ClinVar:

NM_000535.7(PMS2):c.640G>T (p.Val214Leu)

Gene: PMS2 (PMS1 homolog 2, mismatch repair system component; minus strand). Cytogenetic location: 7p22.1.
Variant type: single nucleotide variant.
Coding change: c.640G>T on transcript NM_000535.7 (MANE Select); coding-DNA position 640, G replaced by T.
Protein change: p.Val214Leu; replaces valine 214 with leucine.
Molecular consequence: missense variant. On other transcripts: intron variant (9), non-coding transcript variant (1), 5 prime UTR variant (2).
Genome position (GRCh38, 1-based): chr7:5,999,173, C>A on the plus strand (G>T on the coding strand, the complement: PMS2 is on the minus strand). VCF-style: chr7-5999173-C-A. GRCh37 (hg19) VCF-style: chr7-6038804-C-A.
Other names: c.192+43G>T (NM_001406904.1, NM_001406905.1); c.133-1750G>T (NM_001322013.2, NM_001406909.1); c.537+3280G>T (NM_001406886.1); c.538-1750G>T (NM_001406884.1, NM_001406874.1); c.597+43G>T (NM_001406869.1); c.235G>T, p.Val79Leu (NM_001406906.1, NM_001406907.1, NM_001406908.1 and 19 more transcripts); c.640G>T, p.Val214Leu (NM_001406912.1, NM_001322006.2, NM_001322014.2 and 4 more transcripts); c.132+3280G>T (NM_001406911.1); and 6 more; short protein forms V102L, V214L, V276L, V79L, V108L, V111L, V222L.
Identifiers: ClinVar variation 4140512 (VCV004140512.1).

ClinVar aggregate classification (germline): Uncertain significance (1 of 4 stars; one submission).

Conditions:
Hereditary cancer-predisposing syndrome. Also called: Hereditary neoplastic syndrome; Neoplastic Syndromes, Hereditary; Tumor predisposition; Hereditary Cancer Syndrome. Identifiers: Orphanet 140162, MedGen C0027672, MeSH D009386, MONDO:0015356.

Submission:

Ambry Genetics
Classification: Uncertain significance for Hereditary cancer-predisposing syndrome. Last evaluated: 2025-09-04. Review status: criteria provided, single submitter. Criteria: Ambry Variant Classification Scheme 2023. Collection method: clinical testing. Allele origin: germline.
Comment: The p.V214L variant (also known as c.640G>T), located in coding exon 6 of the PMS2 gene, results from a G to T substitution at nucleotide position 640. The valine at codon 214 is replaced by leucine, an amino acid with highly similar properties. This amino acid position is well conserved in available vertebrate species. In addition, the in silico prediction for this alteration is inconclusive. Based on the available evidence, the clinical significance of this variant remains unclear.